The following is an entry in ClinVar:

NM_000179.3(MSH6):c.3438+2T>G

Gene: MSH6 (mutS homolog 6; plus strand). Cytogenetic location: 2p16.3.
Variant type: single nucleotide variant.
Coding change: c.3438+2T>G on transcript NM_000179.3 (MANE Select); the canonical splice donor site of the intron after coding-DNA position 3438, T replaced by G.
Molecular consequence: splice donor variant.
Genome position (GRCh38, 1-based): chr2:47,803,687, T>G. VCF-style: chr2-47803687-T-G. GRCh37 (hg19) VCF-style: chr2-48030826-T-G.
Other names: c.3438+2T>G (NM_001406809.1, NM_001406796.1, NM_001406808.1 and 2 more transcripts); c.2532+2T>G (NM_001406811.1, NM_001406814.1, NM_001281493.2 and 6 more transcripts); c.3141+2T>G (NM_001406805.1, NM_001406797.1, NM_001406801.1 and 10 more transcripts); c.3534+2T>G (NM_001406795.1, NM_001406802.1); c.3444+2T>G (NM_001406813.1); c.2913+2T>G (NM_001406807.1, NM_001406799.1, NM_001406806.1); c.3264+2T>G (NM_001406798.1); c.2574+2T>G (NM_001406803.1); and 7 more.
Identifiers: ClinVar variation 2744300 (VCV002744300.5), dbSNP rs1033749344, ClinGen allele CA346758977.

ClinVar aggregate classification (germline): Pathogenic/Likely pathogenic. Review status: criteria provided, multiple submitters, no conflicts (2 of 4 stars). 3 submissions from 3 submitters: Pathogenic (1); Likely pathogenic (2). Last evaluated 2025-11-19.

Conditions:
Endometrial carcinoma. Also called: Endometrial carcinoma, somatic. Identifiers: MedGen C0476089, MONDO:0002447, OMIM 608089, HP:0012114.
Hereditary nonpolyposis colorectal neoplasms. Identifiers: MedGen C0009405, MeSH D003123.
Hereditary cancer-predisposing syndrome. Also called: Hereditary Cancer Syndrome; Neoplastic Syndromes, Hereditary; Tumor predisposition; Hereditary neoplastic syndrome. Identifiers: Orphanet 140162, MedGen C0027672, MeSH D009386, MONDO:0015356.

Submissions (3):

Ambry Genetics
Classification: Pathogenic for Hereditary cancer-predisposing syndrome. Last evaluated: 2025-11-19. Review status: criteria provided, single submitter. Criteria: Ambry Variant Classification Scheme 2023. Collection method: clinical testing. Allele origin: germline.
Comment: The c.3438+2T>G intronic pathogenic mutation results from a T to G substitution two nucleotides after coding exon 5 in the MSH6 gene. This nucleotide position is highly conserved in available vertebrate species. Other variant(s) impacting the same donor site (c.3438+1G>A, c.3438G>C) have been identified in individual(s) with features consistent with Lynch syndrome (Ambry internal data). This variant is considered to be rare based on population cohorts in the Genome Aggregation Database (gnomAD). In silico splice site analysis predicts that this alteration will weaken the native splice donor site. This nucleotide position is highly conserved in available vertebrate species. Alterations that disrupt the canonical splice site are expected to cause aberrant splicing, resulting in an abnormal protein or a transcript that is subject to nonsense-mediated mRNA decay. As such, this alteration is classified as a disease-causing mutation.

Baylor Genetics
Classification: Likely pathogenic for Endometrial carcinoma. Last evaluated: 2024-03-11. Review status: criteria provided, single submitter. Criteria: ACMG Guidelines, 2015. Collection method: clinical testing. Allele origin: unknown.

Labcorp Genetics (formerly Invitae), Labcorp
Classification: Likely pathogenic for Hereditary nonpolyposis colorectal neoplasms. Last evaluated: 2023-05-23. Review status: criteria provided, single submitter. Criteria: Invitae Variant Classification Sherloc (09022015). Collection method: clinical testing. Allele origin: germline.
Comment: This sequence change affects a donor splice site in intron 5 of the MSH6 gene. It is expected to disrupt RNA splicing. Variants that disrupt the donor or acceptor splice site typically lead to a loss of protein function (PMID: 16199547), and loss-of-function variants in MSH6 are known to be pathogenic (PMID: 18269114, 24362816). This variant is not present in population databases (gnomAD no frequency). Disruption of this splice site has been observed in individual(s) with clinical features of Lynch syndrome (Invitae). Algorithms developed to predict the effect of sequence changes on RNA splicing suggest that this variant may disrupt the consensus splice site. In summary, the currently available evidence indicates that the variant is pathogenic, but additional data are needed to prove that conclusively. Therefore, this variant has been classified as Likely Pathogenic.

Literature cited by the submitters: PubMed 16199547 (cited by Labcorp Genetics (formerly Invitae), Labcorp); PubMed 18269114 (cited by Labcorp Genetics (formerly Invitae), Labcorp); PubMed 24362816 (cited by Labcorp Genetics (formerly Invitae), Labcorp).